The following is an entry in ClinVar:

ClinVar aggregate classification (germline): Uncertain significance (1 of 4 stars; one submission).

Conditions:
Hereditary cancer-predisposing syndrome. Also called: Hereditary neoplastic syndrome; Neoplastic Syndromes, Hereditary; Hereditary Cancer Syndrome; Tumor predisposition. Identifiers: Orphanet 140162, MedGen C0027672, MeSH D009386, MONDO:0015356.

Submission:

Labcorp Genetics (formerly Invitae), Labcorp
Classification: Uncertain significance for Hereditary cancer-predisposing syndrome. Last evaluated: 2023-05-24. Review status: criteria provided, single submitter. Criteria: Invitae Variant Classification Sherloc (09022015). Collection method: clinical testing. Allele origin: germline.
Comment: This sequence change replaces serine, which is neutral and polar, with threonine, which is neutral and polar, at codon 489 of the RAD50 protein (p.Ser489Thr). This variant is not present in population databases (gnomAD no frequency). This variant has not been reported in the literature in individuals affected with RAD50-related conditions. Advanced modeling of protein sequence and biophysical properties (such as structural, functional, and spatial information, amino acid conservation, physicochemical variation, residue mobility, and thermodynamic stability) performed at Invitae indicates that this missense variant is not expected to disrupt RAD50 protein function. In summary, the available evidence is currently insufficient to determine the role of this variant in disease. Therefore, it has been classified as a Variant of Uncertain Significance.

NM_005732.4(RAD50):c.1466G>C (p.Ser489Thr)

Gene: RAD50 (RAD50 double strand break repair protein; plus strand). Cytogenetic location: 5q31.1.
Variant type: single nucleotide variant.
Coding change: c.1466G>C on transcript NM_005732.4 (MANE Select); coding-DNA position 1466, G replaced by C.
Protein change: p.Ser489Thr; replaces serine 489 with threonine.
Molecular consequence: missense variant.
Genome position (GRCh38, 1-based): chr5:132,591,237, G>C. VCF-style: chr5-132591237-G-C. GRCh37 (hg19) VCF-style: chr5-131926929-G-C.
Other names: short protein forms S489T.
Identifiers: ClinVar variation 2703262 (VCV002703262.3), dbSNP rs2149842129, ClinGen allele CA360945461.